The following is an entry in ClinVar:

Conditions:
Breast-ovarian cancer, familial, susceptibility to, 1 (BROVCA1). Also called: BRCA1 Hereditary Breast and Ovarian Cancer; OVARIAN CANCER, SUSCEPTIBILITY TO. Identifiers: Orphanet 145, MedGen C2676676, MONDO:0011450, OMIM 604370. Disease mechanism: loss of function.

Submission:

Brotman Baty Institute, University of Washington
No classification provided (evidence only). Condition: Breast-ovarian cancer, familial 1. Review status: no classification provided. Collection method: in vitro. Allele origin: not applicable. Functional consequence: functionally_normal.
ClinVar note: "not provided" was previously submitted as the classification for the variant. However, the classification appeared to be based only on an observation of functional data so it was converted to no classification on 2025-07-30.

NM_007294.4(BRCA1):c.5467+25C>T

Gene: BRCA1 (BRCA1 DNA repair associated; minus strand). Cytogenetic location: 17q21.31.
Variant type: single nucleotide variant.
Coding change: c.5467+25C>T on transcript NM_007294.4 (MANE Select); 25 bases into the intron after coding-DNA position 5467, C replaced by T.
Molecular consequence: intron variant.
Genome position (GRCh38, 1-based): chr17:43,047,618, G>A on the plus strand (C>T on the coding strand, the complement: BRCA1 is on the minus strand). VCF-style: chr17-43047618-G-A. GRCh37 (hg19) VCF-style: chr17-41199635-G-A.
Other names: c.2014+25C>T (NM_001408458.1, NM_001408461.1, NM_001408464.1 and 7 more transcripts); c.4576+25C>T (NM_001407967.1); c.5086+25C>T (NM_001407959.1); c.5200+25C>T (NM_001407931.1, NM_001407932.1, NM_001407928.1 and 4 more transcripts); c.5323+25C>T (NM_001407747.1, NM_001407745.1, NM_001407737.1 and 18 more transcripts); c.5083+25C>T (NM_001407962.1, NM_001407960.1); c.1654+25C>T (NM_001408512.1); c.1777+25C>T (NM_001408510.1); and 83 more.
Identifiers: ClinVar variation 864903 (VCV000864903.3), dbSNP rs2050970617, ClinGen allele CA916080721.